The following is an entry in ClinVar:

NM_001277062.2(MFF):c.17G>A (p.Arg6Gln)

Gene: MFF (mitochondrial fission factor; plus strand). Cytogenetic location: 2q36.3.
Variant type: single nucleotide variant.
Coding change: c.17G>A on transcript NM_001277062.2 (MANE Select); coding-DNA position 17, G replaced by A.
Protein change: p.Arg6Gln; replaces arginine 6 with glutamine.
Molecular consequence: missense variant. On other transcripts: intron variant (1).
Genome position (GRCh38, 1-based): chr2:227,330,682, G>A. VCF-style: chr2-227330682-G-A. GRCh37 (hg19) VCF-style: chr2-228195398-G-A.
Other names: c.95G>A, p.Arg32Gln (NM_001277061.2, NM_020194.5); c.17G>A, p.Arg6Gln (NM_001277063.2, NM_001277064.2, NM_001277065.2 and 2 more transcripts); c.-35-99G>A (NM_001277067.1); c.95G>A (NM_020194.4); short protein forms R6Q, R32Q.
Identifiers: ClinVar variation 1497671 (VCV001497671.7), dbSNP rs754521898, ClinGen allele CA2147777.

ClinVar aggregate classification (germline): Uncertain significance. Review status: criteria provided, multiple submitters, no conflicts (2 of 4 stars). 2 submissions from 2 submitters: Uncertain significance (2). Last evaluated 2024-01-09.

Conditions:
Inborn genetic diseases. Identifiers: MedGen C0950123, MeSH D030342.

Allele frequency attached by ClinVar (database versions not stated): gnomAD exomes below 0.00001 and 0.00001; ExAC 0.00001.
gnomAD v4.1: 8 of 1,614,096 alleles (0.0005%); highest among the groups gnomAD compares: South Asian, 0.0033%; no homozygotes.

Submissions (2):

Ambry Genetics
Classification: Uncertain significance for Inborn genetic diseases. Last evaluated: 2024-01-09. Review status: criteria provided, single submitter. Criteria: Ambry Variant Classification Scheme 2023. Collection method: clinical testing. Allele origin: germline.

Labcorp Genetics (formerly Invitae), Labcorp
Classification: Uncertain significance. Last evaluated: 2021-09-22. Review status: criteria provided, single submitter. Criteria: Invitae Variant Classification Sherloc (09022015). Collection method: clinical testing. Allele origin: germline.
Comment: In summary, the available evidence is currently insufficient to determine the role of this variant in disease. Therefore, it has been classified as a Variant of Uncertain Significance. Algorithms developed to predict the effect of missense changes on protein structure and function (SIFT, PolyPhen-2, Align-GVGD) all suggest that this variant is likely to be disruptive. This variant has not been reported in the literature in individuals affected with MFF-related conditions. This variant is present in population databases (rs754521898, ExAC 0.006%). This sequence change replaces arginine with glutamine at codon 32 of the MFF protein (p.Arg32Gln). The arginine residue is highly conserved and there is a small physicochemical difference between arginine and glutamine.